The following is an entry in ClinVar:

NM_030665.4(RAI1):c.1190A>G (p.Asn397Ser)

Gene: RAI1 (retinoic acid induced 1; plus strand). Cytogenetic location: 17p11.2.
Variant type: single nucleotide variant.
Coding change: c.1190A>G on transcript NM_030665.4 (MANE Select); coding-DNA position 1190, A replaced by G.
Protein change: p.Asn397Ser; replaces asparagine 397 with serine.
Molecular consequence: missense variant.
Genome position (GRCh38, 1-based): chr17:17,794,138, A>G. VCF-style: chr17-17794138-A-G. GRCh37 (hg19) VCF-style: chr17-17697452-A-G.
Other names: short protein forms N397S.
Identifiers: ClinVar variation 3603286 (VCV003603286.1).
Genomic context (GRCh38, chr17:17,794,138, plus strand): 5'-TCAGCACCGGGGCCTTCCCCGCAGGGATCACTGACCACAGCCACTTCATGCCCCTGCTCA[A>G]TCCCTCCCCAACGGATGCCACCAGCTCTGTGGACACCCAGGCTGGCAACTGCAAGCCCCT-3'
Protein context (NP_109590.3, residues 387-407): TDHSHFMPLL[Asn397Ser]PSPTDATSSV

ClinVar aggregate classification (germline): Uncertain significance (1 of 4 stars; one submission).

Conditions:
Smith-Magenis syndrome (SMS). Also called: CHROMOSOME 17p11.2 DELETION SYNDROME. Identifiers: Orphanet 819, MedGen C0795864, MONDO:0008434, OMIM 182290.

gnomAD v4.1: 1 of 1,613,986 alleles (0.000062%); highest among the groups gnomAD compares: Non-Finnish European, 0.000085%; no homozygotes.

Submission:

Neuberg Centre For Genomic Medicine, NCGM
Classification: Uncertain significance for Smith-Magenis syndrome. Review status: criteria provided, single submitter. Criteria: ACMG Guidelines, 2015. Collection method: clinical testing. Allele origin: germline. Inheritance: Autosomal dominant inheritance. Affected: yes.
Comment: The observed missense c.1190A>G (p.Asn397Ser) variant in RAI1 gene has not been reported previously as a pathogenic variant nor as a benign variant, to our knowledge. The p.Asn397Ser variant is absent in gnomAD Exomes. This variant has not been submitted to the ClinVar database. Multiple lines of computational evidence (Polyphen - Possibly damaging, SIFT - Tolerated and MutationTaster - Disease causing) predicts conflicting evidence on protein structure and function for this variant. The reference amino acid at this position on RAI1 gene is predicted as conserved by GERP++ and PhyloP across 100 vertebrates. The amino acid Asn at position 397 is changed to a Ser changing protein sequence and it might alter its composition and physico-chemical properties. For these reasons, this variant has been classified as Variant of Uncertain Significance (VUS).